The following is an entry in ClinVar:

ClinVar aggregate classification (germline): Uncertain significance. Review status: criteria provided, multiple submitters, no conflicts (2 of 4 stars). 2 submissions from 2 submitters: Uncertain significance (2). Last evaluated 2024-10-15.

Conditions:
Brugada syndrome 8 (BRGDA8). Identifiers: Orphanet 130, MedGen C2751083, MONDO:0013148, OMIM 613123.

Allele frequency attached by ClinVar (database versions not stated): TOPMed below 0.00001; gnomAD 0.00001.
gnomAD v4.1: 2 of 1,602,648 alleles (0.00012%); highest among the groups gnomAD compares: African/African-American, 0.0027%; no homozygotes.

Submissions (2):

Labcorp Genetics (formerly Invitae), Labcorp
Classification: Uncertain significance for Brugada syndrome 8. Last evaluated: 2024-10-15. Review status: criteria provided, single submitter. Criteria: Invitae Variant Classification Sherloc (09022015). Collection method: clinical testing. Allele origin: germline.
Comment: This sequence change replaces aspartic acid, which is acidic and polar, with glutamic acid, which is acidic and polar, at codon 198 of the HCN4 protein (p.Asp198Glu). This variant is present in population databases (no rsID available, gnomAD 0.01%). This variant has not been reported in the literature in individuals affected with HCN4-related conditions. ClinVar contains an entry for this variant (Variation ID: 1023613). Invitae Evidence Modeling of protein sequence and biophysical properties (such as structural, functional, and spatial information, amino acid conservation, physicochemical variation, residue mobility, and thermodynamic stability) indicates that this missense variant is not expected to disrupt HCN4 protein function with a negative predictive value of 95%. In summary, the available evidence is currently insufficient to determine the role of this variant in disease. Therefore, it has been classified as a Variant of Uncertain Significance.

GeneDx
Classification: Uncertain significance. Last evaluated: 2024-04-03. Review status: criteria provided, single submitter. Criteria: GeneDx Variant Classification Process June 2021. Collection method: clinical testing. Allele origin: germline. Affected: yes.
Comment: Has not been previously published as pathogenic or benign to our knowledge; Not observed at a significant frequency in large population cohorts (gnomAD); In silico analysis supports that this missense variant does not alter protein structure/function

NM_005477.3(HCN4):c.594C>G (p.Asp198Glu)

Gene: HCN4 (hyperpolarization activated cyclic nucleotide gated potassium channel 4; minus strand). Cytogenetic location: 15q24.1.
Variant type: single nucleotide variant.
Coding change: c.594C>G on transcript NM_005477.3 (MANE Select); coding-DNA position 594, C replaced by G.
Protein change: p.Asp198Glu; replaces aspartic acid 198 with glutamic acid.
Molecular consequence: missense variant.
Genome position (GRCh38, 1-based): chr15:73,367,677, G>C on the plus strand (C>G on the coding strand, the complement: HCN4 is on the minus strand). VCF-style: chr15-73367677-G-C. GRCh37 (hg19) VCF-style: chr15-73660018-G-C.
Other names: c.594C>G (NM_005477.2); short protein forms D198E.
Identifiers: ClinVar variation 1023613 (VCV001023613.9), dbSNP rs894325793, ClinGen allele CA272700157.